The following is an entry in ClinVar:

NM_001271.4(CHD2):c.5248G>A (p.Ala1750Thr)

Gene: CHD2 (chromodomain helicase DNA binding protein 2; plus strand). Cytogenetic location: 15q26.1.
Variant type: single nucleotide variant.
Coding change: c.5248G>A on transcript NM_001271.4 (MANE Select); coding-DNA position 5248, G replaced by A.
Protein change: p.Ala1750Thr; replaces alanine 1750 with threonine.
Molecular consequence: missense variant.
Genome position (GRCh38, 1-based): chr15:93,024,466, G>A. VCF-style: chr15-93024466-G-A. GRCh37 (hg19) VCF-style: chr15-93567696-G-A.
Other names: short protein forms A1750T.
Identifiers: ClinVar variation 1061751 (VCV001061751.9), dbSNP rs753595749, ClinGen allele CA7748710.

ClinVar aggregate classification (germline): Uncertain significance (1 of 4 stars; one submission).

Conditions:
Developmental and epileptic encephalopathy 94 (DEE94). Also called: Epileptic encephalopathy, childhood-onset; CHD2-Related Neurodevelopmental Disorders. Identifiers: Orphanet 1942, Orphanet 2382, MedGen C3809278, MONDO:0014150, OMIM 615369.

Allele frequency attached by ClinVar (database versions not stated): gnomAD exomes below 0.00001 and 0.00001; ExAC 0.00001.
gnomAD v4.1: 15 of 1,614,036 alleles (0.00093%); highest among the groups gnomAD compares: Middle Eastern, 0.016%; no homozygotes.

Submission:

Labcorp Genetics (formerly Invitae), Labcorp
Classification: Uncertain significance for Developmental and epileptic encephalopathy 94. Last evaluated: 2022-09-07. Review status: criteria provided, single submitter. Criteria: Invitae Variant Classification Sherloc (09022015). Collection method: clinical testing. Allele origin: germline.
Comment: This variant has not been reported in the literature in individuals affected with CHD2-related conditions. This variant is not present in population databases (gnomAD no frequency). This sequence change replaces alanine, which is neutral and non-polar, with threonine, which is neutral and polar, at codon 1750 of the CHD2 protein (p.Ala1750Thr). ClinVar contains an entry for this variant (Variation ID: 1061751). In summary, the available evidence is currently insufficient to determine the role of this variant in disease. Therefore, it has been classified as a Variant of Uncertain Significance. Advanced modeling of protein sequence and biophysical properties (such as structural, functional, and spatial information, amino acid conservation, physicochemical variation, residue mobility, and thermodynamic stability) performed at Invitae indicates that this missense variant is not expected to disrupt CHD2 protein function.